The following is an entry in ClinVar:

ClinVar aggregate classification (germline): Likely pathogenic (1 of 4 stars; one submission).

gnomAD v4.1: 3 of 1,599,158 alleles (0.00019%); highest among the groups gnomAD compares: South Asian, 0.0011%; no homozygotes.

Submission:

GeneDx
Classification: Likely pathogenic. Last evaluated: 2026-03-11. Review status: criteria provided, single submitter. Criteria: GeneDx Variant Classification Process June 2021. Collection method: clinical testing. Allele origin: germline.
Comment: Reported in a patient with D-loop transposition of the great arteries who also had variants in four other genes that may have been responsible for the phenotype (PMID: 40127276); Nonsense variant predicted to result in protein truncation, as the last 63 amino acid(s) are lost, and other loss-of-function variants have been reported downstream in HGMD; Not observed at significant frequency in large population cohorts (gnomAD); This variant is associated with the following publications: (PMID: 40127276)

NM_005585.5(SMAD6):c.1302C>G (p.Tyr434Ter)

Gene: SMAD6 (SMAD family member 6; plus strand). Cytogenetic location: 15q22.31.
Variant type: single nucleotide variant.
Coding change: c.1302C>G on transcript NM_005585.5 (MANE Select); coding-DNA position 1302, C replaced by G.
Protein change: p.Tyr434Ter; replaces tyrosine 434 with a stop codon.
Molecular consequence: nonsense. On other transcripts: non-coding transcript variant (1).
Genome position (GRCh38, 1-based): chr15:66,781,346, C>G. VCF-style: chr15-66781346-C-G. GRCh37 (hg19) VCF-style: chr15-67073684-C-G.
Other names: short protein forms Y434*.
Identifiers: ClinVar variation 5009879 (VCV005009879.1).